The following is an entry in ClinVar:

NM_002878.4(RAD51D):c.597T>C (p.Thr199=)

Genes: RAD51D (RAD51 paralog D; minus strand), RAD51L3-RFFL (RAD51L3-RFFL readthrough; minus strand). Cytogenetic location: 17q12.
Variant type: single nucleotide variant.
Coding change: c.597T>C on transcript NM_002878.4 (MANE Select); coding-DNA position 597, T replaced by C.
Protein change: p.Thr199=; no amino-acid change (threonine 199 retained).
Molecular consequence: synonymous variant. On other transcripts: non-coding transcript variant (3).
Genome position (GRCh38, 1-based): chr17:35,103,524, A>G on the plus strand (T>C on the coding strand, the complement: RAD51D is on the minus strand). VCF-style: chr17-35103524-A-G. GRCh37 (hg19) VCF-style: chr17-33430543-A-G.
Other names: c.657T>C, p.Thr219= (NM_001142571.2); c.261T>C, p.Thr87= (NM_133629.3).
Identifiers: ClinVar variation 755485 (VCV000755485.11), dbSNP rs1597858897, ClinGen allele CA499730640.

ClinVar aggregate classification (germline): Benign/Likely benign. Review status: criteria provided, multiple submitters, no conflicts (2 of 4 stars). 3 submissions from 3 submitters: Benign (1); Likely benign (2). Last evaluated 2025-10-23.

Conditions:
Breast-ovarian cancer, familial, susceptibility to, 4. Identifiers: Orphanet 145, MedGen C3280345, MONDO:0013669, OMIM 614291.
Hereditary cancer-predisposing syndrome. Also called: Hereditary Cancer Syndrome; Hereditary neoplastic syndrome; Neoplastic Syndromes, Hereditary; Tumor predisposition. Identifiers: Orphanet 140162, MedGen C0027672, MeSH D009386, MONDO:0015356.

Allele frequency attached by ClinVar (database versions not stated): gnomAD exomes below 0.00001.
gnomAD v4.1: 2 of 1,614,160 alleles (0.00012%); highest among the groups gnomAD compares: Non-Finnish European, 0.000085%; no homozygotes.

Submissions (3):

Labcorp Genetics (formerly Invitae), Labcorp
Classification: Likely benign for Breast-ovarian cancer, familial, susceptibility to, 4. Last evaluated: 2025-10-23. Review status: criteria provided, single submitter. Criteria: Invitae Variant Classification Sherloc (09022015). Collection method: clinical testing. Allele origin: germline.

Myriad Genetics, Inc.
Classification: Benign for Breast-ovarian cancer, familial, susceptibility to, 4. Last evaluated: 2025-02-24. Review status: criteria provided, single submitter. Criteria: Myriad Autosomal Dominant, Autosomal Recessive and X-Linked Classification Criteria (2023). Collection method: clinical testing. Allele origin: unknown.
Comment: This variant is considered benign. This variant is a silent/synonymous amino acid change and it is not expected to impact splicing.

Ambry Genetics
Classification: Likely benign for Hereditary cancer-predisposing syndrome. Last evaluated: 2024-09-01. Review status: criteria provided, single submitter. Criteria: Ambry Variant Classification Scheme 2023. Collection method: clinical testing. Allele origin: germline.